The following is an entry in ClinVar:

NM_001144967.3(NEDD4L):c.48+1_48+363del

Genes: NEDD4L (NEDD4 like E3 ubiquitin protein ligase; plus strand), LOC130062568 (ATAC-STARR-seq lymphoblastoid silent region 9483; plus strand). Cytogenetic location: 18q21.31.
Variant type: Deletion.
Coding change: c.48+1_48+363del on transcript NM_001144967.3 (MANE Select); the canonical splice donor site of the intron after coding-DNA position 48 through 363 bases into the intron after coding-DNA position 48, 363 bases deleted.
Molecular consequence: splice donor variant.
Genome position (GRCh38, 1-based): chr18:58,044,709-58,045,071, 363 bases deleted. GRCh37 (hg19): chr18:55,711,941-55,712,303.
Other names: c.48+1_48+363del (NM_015277.6, NM_001243960.2).
Identifiers: ClinVar variation 3650491 (VCV003650491.2).

ClinVar aggregate classification (germline): Uncertain significance (1 of 4 stars; one submission).

Submission:

Labcorp Genetics (formerly Invitae), Labcorp
Classification: Uncertain significance. Last evaluated: 2024-04-21. Review status: criteria provided, single submitter. Criteria: Invitae Variant Classification Sherloc (09022015). Collection method: clinical testing. Allele origin: germline.
Comment: This sequence change affects a splice site in intron 1 of the NEDD4L gene. It is expected to disrupt RNA splicing. Variants that disrupt the donor or acceptor splice site typically lead to a loss of protein function (PMID: 16199547), however the current clinical and genetic evidence is not sufficient to establish whether loss-of-function variants in NEDD4L cause disease. This variant is not present in population databases (gnomAD no frequency). This variant has not been reported in the literature in individuals affected with NEDD4L-related conditions. Experimental studies and prediction algorithms are not available or were not evaluated, and the effect of this variant on mRNA splicing is currently unknown. In summary, the available evidence is currently insufficient to determine the role of this variant in disease. Therefore, it has been classified as a Variant of Uncertain Significance.

Literature cited by the submitters: PubMed 16199547.